The following is an entry in ClinVar:

ClinVar aggregate classification (germline): Uncertain significance (1 of 4 stars; one submission).

gnomAD v4.1: 1 of 1,164,498 alleles (0.000086%); highest among the groups gnomAD compares: African/African-American, 0.0018%; no homozygotes.

Submission:

GeneDx
Classification: Uncertain significance. Last evaluated: 2024-11-06. Review status: criteria provided, single submitter. Criteria: GeneDx Variant Classification Process June 2021. Collection method: clinical testing. Allele origin: germline. Affected: yes.
Comment: Not observed at significant frequency in large population cohorts (gnomAD); In silico analysis indicates that this missense variant does not alter protein structure/function; Has not been previously published as pathogenic or benign to our knowledge

NM_001111125.3(IQSEC2):c.652G>A (p.Gly218Ser)

Gene: IQSEC2 (IQ motif and Sec7 domain ArfGEF 2; minus strand). Cytogenetic location: Xp11.22.
Variant type: single nucleotide variant.
Coding change: c.652G>A on transcript NM_001111125.3 (MANE Select); coding-DNA position 652, G replaced by A.
Protein change: p.Gly218Ser; replaces glycine 218 with serine.
Molecular consequence: missense variant.
Genome position (GRCh38, 1-based): chrX:53,320,472, C>T on the plus strand (G>A on the coding strand, the complement: IQSEC2 is on the minus strand). VCF-style: chrX-53320472-C-T. GRCh37 (hg19) VCF-style: chrX-53349670-C-T.
Other names: c.652G>A, p.Gly218Ser (NM_001410736.1); short protein forms G218S.
Identifiers: ClinVar variation 3899041 (VCV003899041.1).